The following is an entry in ClinVar:

NM_000256.3(MYBPC3):c.931T>A (p.Ser311Thr)

Gene: MYBPC3 (myosin binding protein C3; minus strand). Cytogenetic location: 11p11.2.
Variant type: single nucleotide variant.
Coding change: c.931T>A on transcript NM_000256.3 (MANE Select); coding-DNA position 931, T replaced by A.
Protein change: p.Ser311Thr; replaces serine 311 with threonine.
Molecular consequence: missense variant.
Genome position (GRCh38, 1-based): chr11:47,346,366, A>T on the plus strand (T>A on the coding strand, the complement: MYBPC3 is on the minus strand). VCF-style: chr11-47346366-A-T. GRCh37 (hg19) VCF-style: chr11-47367917-A-T.
Other names: short protein forms S311T.
Identifiers: ClinVar variation 42808 (VCV000042808.5), dbSNP rs397516084, ClinGen allele CA016136.
Genomic context (GRCh38, chr11:47,346,366, plus strand): 5'-ATGGGGGTGCCTGCCGTAGGATCTCCCACACGTCCTCCTCTGCTGGTGCCTCCAGCTTCG[A>T]GTCCCTGTGTCCCGCAGTCTAGGCTGTGGCCGGGGGCAAGACTGCAGCCCCCTGGGCGGG-3'
Protein context (NP_000247.2, residues 301-321): KRDSFRTPRD[Ser311Thr]KLEAPAEEDV

ClinVar aggregate classification (germline): Uncertain significance. Review status: criteria provided, single submitter (1 of 4 stars). 2 submissions from 2 submitters: Uncertain significance (1). 1 of the submissions does not count toward it. Last evaluated 2024-05-14.

Conditions:
Hypertrophic cardiomyopathy. Also called: HYPERTROPHIC MYOCARDIOPATHY. Identifiers: Orphanet 217569, MedGen C0007194, MeSH D002312, MONDO:0005045, HP:0001639.

Submissions (2):

All of Us Research Program, National Institutes of Health
Classification: Uncertain significance for Hypertrophic cardiomyopathy. Last evaluated: 2024-05-14. Review status: criteria provided, single submitter. Criteria: ACMG Guidelines, 2015. Collection method: clinical testing. Allele origin: germline. Inheritance: Autosomal dominant inheritance. Observed: 1 variant allele, 1 heterozygote.
Comment: This missense variant replaces serine with threonine at codon 311 of the MYBPC3 protein. Computational prediction tools indicate that this variant has a neutral impact on protein structure and function. To our knowledge, functional studies have not been reported for this variant. This variant has not been reported in two individuals affected with hypertrophic cardiomyopathy (PMID: 27532257, 28790153, 32841044). One of these individuals also carried a pathogenic variant in the same gene (PMID: 28790153). This variant has not been identified in the general population by the Genome Aggregation Database (gnomAD). The available evidence is insufficient to determine the role of this variant in disease conclusively. Therefore, this variant is classified as a Variant of Uncertain Significance.

This study involves interpretation of variants in research participants for the purpose of population health screening. Participant phenotype was not available at the time of variant classification. Additional details can be found in publication PMID: 35346344, PMCID: PMC8962531

Laboratory for Molecular Medicine, Mass General Brigham Personalized Medicine
Classification: Uncertain significance. Last evaluated: 2008-03-01. Review status: no assertion criteria provided. Collection method: clinical testing. Allele origin: germline. Observed: 1 variant allele. Not counted in ClinVar's aggregate classification.

Literature cited by the submitters: PubMed 27532257 (cited by All of Us Research Program, National Institutes of Health); PubMed 28790153 (cited by All of Us Research Program, National Institutes of Health); PubMed 32841044 (cited by All of Us Research Program, National Institutes of Health).